The following is an entry in ClinVar:

NM_001754.5(RUNX1):c.217A>G (p.Ser73Gly)

Gene: RUNX1 (RUNX family transcription factor 1; minus strand). Cytogenetic location: 21q22.12.
Variant type: single nucleotide variant.
Coding change: c.217A>G on transcript NM_001754.5 (MANE Select); coding-DNA position 217, A replaced by G.
Protein change: p.Ser73Gly; replaces serine 73 with glycine.
Molecular consequence: missense variant.
Genome position (GRCh38, 1-based): chr21:34,886,977, T>C on the plus strand (A>G on the coding strand, the complement: RUNX1 is on the minus strand). VCF-style: chr21-34886977-T-C. GRCh37 (hg19) VCF-style: chr21-36259274-T-C.
Other names: NM_001754.5(RUNX1):c.217A>G; p.Ser73Gly; c.136A>G, p.Ser46Gly (NM_001001890.3, NM_001122607.2); c.217A>G (NM_001754.4); short protein forms S73G, S46G.
Identifiers: ClinVar variation 1388634 (VCV001388634.10), dbSNP rs2146411773, ClinGen allele CA410203877.
Genomic context (GRCh38, chr21:34,886,977, plus strand): 5'-CGGTGCGCACCAGCTCGCCCGGGTGGTCGGCCAGCACCTCCACCATGCTGCGGTCGCCGC[T>C]CCTCAGCTTGCCGGCCAGGGCAGCGCCGGCGTCCGGGGCGCCCAGCGGCAACGCCTCGCT-3'
Protein context (NP_001745.2, residues 63-83): AGAALAGKLR[Ser73Gly]GDRSMVEVLA

ClinVar aggregate classification (germline): Uncertain significance. Review status: reviewed by expert panel (3 of 4 stars). 3 submissions from 3 submitters: Uncertain significance (1). 2 of the submissions do not count toward it. Last evaluated 2024-09-16.

Conditions:
Hereditary thrombocytopenia and hematological cancer predisposition syndrome associated with RUNX1. Also called: Familial Platelet Disorder with Propensity to Acute Myelogenous Leukemia; Familial thrombocytopenia with propensity to acute myelogenous leukemia; PLATELET DISORDER, ASPIRIN-LIKE; RUNX1 Familial Platelet Disorder with Associated Myeloid Malignancies. Identifiers: Orphanet 71290, MedGen C1832388, MeSH C563324, MONDO:0100083, OMIM 601399.
Hereditary thrombocytopenia and hematologic cancer predisposition syndrome. Identifiers: Orphanet 71290, MedGen CN281654, MONDO:0011071.
Inborn genetic diseases. Identifiers: MedGen C0950123, MeSH D030342.

Allele frequency attached by ClinVar (database versions not stated): gnomAD exomes below 0.00001.
gnomAD v4.1: 1 of 1,609,624 alleles (0.000062%); highest among the groups gnomAD compares: Non-Finnish European, 0.000085%; no homozygotes.

Submissions (3):

ClinGen Myeloid Malignancy Variant Curation Expert Panel
Classification: Uncertain significance for Hereditary thrombocytopenia and hematologic cancer predisposition syndrome. Last evaluated: 2024-09-16. Review status: reviewed by expert panel. Criteria: ClinGen MyeloMalig ACMG Specifications v2. Collection method: curation. Allele origin: germline. Inheritance: Autosomal dominant inheritance.
Comment: NM_001754.5(RUNX1):c.217A>G (p.Ser73Gly) is a missense variant which has a REVEL score < 0.50 (0.335), and a SpliceAI score ≤ 0.20 (0.02) (BP4). This variant is completely absent from all population databases with at least 20x coverage for RUNX1 (PM2_Supporting). In summary, the clinical significance of this variant is uncertain. ACMG/AMP criteria applied, as specified by the Myeloid Malignancy Variant Curation Expert Panel for RUNX1: BP4, PM2_supporting.

Ambry Genetics
Classification: Uncertain significance for Inborn genetic diseases. Last evaluated: 2025-07-03. Review status: criteria provided, single submitter. Criteria: Ambry Variant Classification Scheme 2023. Collection method: clinical testing. Allele origin: germline. Not counted in ClinVar's aggregate classification.
Comment: The p.S73G variant (also known as c.217A>G), located in coding exon 3 of the RUNX1 gene, results from an A to G substitution at nucleotide position 217. The serine at codon 73 is replaced by glycine, an amino acid with similar properties. This amino acid position is not well conserved in available vertebrate species. In addition, the in silico prediction for this alteration is inconclusive. Based on the available evidence, the clinical significance of this variant remains unclear.

Labcorp Genetics (formerly Invitae), Labcorp
Classification: Uncertain significance for Hereditary thrombocytopenia and hematological cancer predisposition syndrome associated with RUNX1. Last evaluated: 2022-11-19. Review status: criteria provided, single submitter. Criteria: Invitae Variant Classification Sherloc (09022015). Collection method: clinical testing. Allele origin: germline. Not counted in ClinVar's aggregate classification.
Comment: In summary, the available evidence is currently insufficient to determine the role of this variant in disease. Therefore, it has been classified as a Variant of Uncertain Significance. Algorithms developed to predict the effect of missense changes on protein structure and function (SIFT, PolyPhen-2, Align-GVGD) all suggest that this variant is likely to be tolerated. ClinVar contains an entry for this variant (Variation ID: 1388634). This variant has not been reported in the literature in individuals affected with RUNX1-related conditions. This variant is not present in population databases (gnomAD no frequency). This sequence change replaces serine, which is neutral and polar, with glycine, which is neutral and non-polar, at codon 73 of the RUNX1 protein (p.Ser73Gly).